The following is an entry in ClinVar:

NM_002485.5(NBN):c.172-2A>G

Gene: NBN (nibrin; minus strand). Cytogenetic location: 8q21.3.
Variant type: single nucleotide variant.
Coding change: c.172-2A>G on transcript NM_002485.5 (MANE Select); the canonical splice acceptor site of the intron before coding-DNA position 172, A replaced by G.
Molecular consequence: splice acceptor variant.
Genome position (GRCh38, 1-based): chr8:89,981,525, T>C on the plus strand (A>G on the coding strand, the complement: NBN is on the minus strand). VCF-style: chr8-89981525-T-C. GRCh37 (hg19) VCF-style: chr8-90993753-T-C.
Other names: c.-75-2A>G (NM_001024688.3).
Identifiers: ClinVar variation 1778792 (VCV001778792.3), dbSNP rs2129916685, ClinGen allele CA371662653.
Genomic context (GRCh38, chr8:89,981,525, plus strand): 5'-AAGGTACCATACTTAGAATTATCTTTTAATGTCAATACAGGGATTTCATCTGTTTGACTC[T>C]GAAAAGTTAGCAAATAATTTAAAGTCTTTTACCACTCAGTACATTCACTTCTCAGAGAAA-3'

ClinVar aggregate classification (germline): Likely pathogenic. Review status: criteria provided, multiple submitters, no conflicts (2 of 4 stars). 2 submissions from 2 submitters: Likely pathogenic (2). Last evaluated 2025-05-12.

Conditions:
Hereditary cancer-predisposing syndrome. Also called: Tumor predisposition; Neoplastic Syndromes, Hereditary; Hereditary Cancer Syndrome; Hereditary neoplastic syndrome. Identifiers: Orphanet 140162, MedGen C0027672, MeSH D009386, MONDO:0015356.
Microcephaly, normal intelligence and immunodeficiency (NBS). Also called: IMMUNODEFICIENCY, MICROCEPHALY, AND CHROMOSOMAL INSTABILITY; SEEMANOVA SYNDROME II; Nijmegen breakage syndrome; Microcephaly with normal intelligence immunodeficiency and lymphoreticular malignancies; Nonsyndromal microcephaly autosomal recessive with normal intelligence; Seemanova syndrome 2. Identifiers: Orphanet 647, MedGen C0398791, MONDO:0009623, OMIM 251260.

Allele frequency attached by ClinVar (database versions not stated): gnomAD exomes below 0.00001.
gnomAD v4.1: 1 of 1,612,850 alleles (0.000062%); highest among the groups gnomAD compares: Non-Finnish European, 0.000085%; no homozygotes.

Submissions (2):

Myriad Genetics, Inc.
Classification: Likely pathogenic for Microcephaly, normal intelligence and immunodeficiency. Last evaluated: 2025-05-12. Review status: criteria provided, single submitter. Criteria: Myriad Autosomal Dominant, Autosomal Recessive and X-Linked Classification Criteria (2023). Collection method: clinical testing. Allele origin: unknown.
Comment: NM_002485.4(NBN):c.172-2A>G is a variant in a canonical splice site classified as likely pathogenic in the context of Nijmegen breakage syndrome. c.172-2A>G has not been observed in cases with relevant disease. Relevant functional assessments of this variant are not available in the literature. c.172-2A>G has not been observed in referenced population frequency databases. In summary, NM_002485.4(NBN):c.172-2A>G is a variant in a canonical splice site in a gene where loss of function is a known mechanism of disease and is predicted to disrupt protein function. Please note: this variant was assessed in the context of healthy population screening.

Ambry Genetics
Classification: Likely pathogenic for Hereditary cancer-predisposing syndrome. Last evaluated: 2021-11-29. Review status: criteria provided, single submitter. Criteria: Ambry Variant Classification Scheme 2023. Collection method: clinical testing. Allele origin: germline.
Comment: The c.172-2A>G intronic variant results from an A to G substitution two nucleotides upstream from coding exon 3 in the NBN gene. This variant is considered to be rare based on population cohorts in the Genome Aggregation Database (gnomAD). This nucleotide position is highly conserved in available vertebrate species. In silico splice site analysis predicts that this alteration will weaken the native splice acceptor site. Alterations that disrupt the canonical splice site are expected to cause aberrant splicing, resulting in an abnormal protein or a transcript that is subject to nonsense-mediated mRNA decay. As such, this alteration is classified as likely pathogenic.